The following is an entry in ClinVar:

ClinVar aggregate classification (germline): Uncertain significance. Review status: criteria provided, multiple submitters, no conflicts (2 of 4 stars). 2 submissions from 2 submitters: Uncertain significance (2). Last evaluated 2025-06-03.

Conditions:
Aortic aneurysm, familial thoracic 4 (AAT4). Also called: AORTIC ANEURYSM/AORTIC DISSECTION AND PATENT DUCTUS ARTERIOSUS. Identifiers: MedGen C1851504, MONDO:0007568, OMIM 132900.
Familial thoracic aortic aneurysm and aortic dissection (TAAD). Also called: Thoracic aortic aneurysms and dissections. Identifiers: Orphanet 91387, MedGen C4707243, MONDO:0019625.

Allele frequency attached by ClinVar (database versions not stated): gnomAD exomes below 0.00001.
gnomAD v4.1: 1 of 1,614,142 alleles (0.000062%); highest among the groups gnomAD compares: Non-Finnish European, 0.000085%; no homozygotes.

Submissions (2):

Labcorp Genetics (formerly Invitae), Labcorp
Classification: Uncertain significance for Aortic aneurysm, familial thoracic 4. Last evaluated: 2025-06-03. Review status: criteria provided, single submitter. Criteria: Invitae Variant Classification Sherloc (09022015). Collection method: clinical testing. Allele origin: germline.
Comment: This sequence change replaces serine, which is neutral and polar, with asparagine, which is neutral and polar, at codon 1920 of the MYH11 protein (p.Ser1920Asn). This variant is not present in population databases (gnomAD no frequency). This variant has not been reported in the literature in individuals affected with MYH11-related conditions. ClinVar contains an entry for this variant (Variation ID: 3071880). Invitae Evidence Modeling of protein sequence and biophysical properties (such as structural, functional, and spatial information, amino acid conservation, physicochemical variation, residue mobility, and thermodynamic stability) indicates that this missense variant is not expected to disrupt MYH11 protein function with a negative predictive value of 95%. In summary, the available evidence is currently insufficient to determine the role of this variant in disease. Therefore, it has been classified as a Variant of Uncertain Significance.

All of Us Research Program, National Institutes of Health
Classification: Uncertain significance for Familial thoracic aortic aneurysm and aortic dissection. Last evaluated: 2023-06-26. Review status: criteria provided, single submitter. Criteria: ACMG Guidelines, 2015. Collection method: clinical testing. Allele origin: germline. Inheritance: Autosomal dominant inheritance. Observed: 1 variant allele, 1 heterozygote.
Comment: This missense variant replaces serine with asparagine at codon 1920 of the MYH11 protein. Computational prediction suggests that this variant may not impact protein structure and function (internally defined REVEL score threshold <= 0.5, PMID: 27666373). To our knowledge, functional studies have not been reported for this variant. This variant has not been reported in individuals affected with MYH11-related disorders in the literature. This variant has not been identified in the general population by the Genome Aggregation Database (gnomAD). The available evidence is insufficient to determine the role of this variant in disease conclusively. Therefore, this variant is classified as a Variant of Uncertain Significance.

This study involves interpretation of variants in research participants for the purpose of population health screening. Participant phenotype was not available at the time of variant classification. Additional details can be found in publication PMID: 35346344, PMCID: PMC8962531

NM_002474.3(MYH11):c.5738G>A (p.Ser1913Asn)

Genes: NDE1 (nudE neurodevelopment protein 1; plus strand), MYH11 (myosin heavy chain 11; minus strand). Cytogenetic location: 16p13.11.
Variant type: single nucleotide variant.
Coding change: c.5738G>A on transcript NM_002474.3 (MANE Select); coding-DNA position 5738, G replaced by A.
Protein change: p.Ser1913Asn; replaces serine 1913 with asparagine.
Molecular consequence: missense variant. On other transcripts: intron variant (2).
Genome position (GRCh38, 1-based): chr16:15,714,957, C>T on the plus strand (G>A on the coding strand, the complement: MYH11 is on the minus strand). VCF-style: chr16-15714957-C-T. GRCh37 (hg19) VCF-style: chr16-15808814-C-T.
Other names: c.5759G>A, p.Ser1920Asn (NM_001040113.2, NM_001040114.2); c.5738G>A, p.Ser1913Asn (NM_022844.3); c.948-9234C>T (NM_001143979.2, NM_017668.3); short protein forms S1913N, S1920N.
Identifiers: ClinVar variation 3071880 (VCV003071880.2), dbSNP rs2040038086, ClinGen allele CA394846472.